The following is an entry in ClinVar:

ClinVar aggregate classification (germline): Benign/Likely benign. Review status: criteria provided, multiple submitters, no conflicts (2 of 4 stars). 3 submissions from 3 submitters: Benign (1); Likely benign (2). Last evaluated 2026-04-24.

Conditions:
Colorectal cancer, susceptibility to, 1. Also called: COLORECTAL ADENOMA AND CANCER, SUSCEPTIBILITY TO; COLORECTAL CANCER, SUSCEPTIBILITY TO, ON CHROMOSOME 9. Identifiers: MedGen C1837315, MONDO:0012132, OMIM 608812.

Allele frequency attached by ClinVar (database versions not stated): gnomAD 0.00001; gnomAD exomes below 0.00001.
gnomAD v4.1: 3 of 1,614,034 alleles (0.00019%); highest among the groups gnomAD compares: East Asian, 0.0045%; no homozygotes.

Submissions (3):

Myriad Genetics, Inc.
Classification: Benign for Colorectal cancer, susceptibility to, 1. Last evaluated: 2026-04-24. Review status: criteria provided, single submitter. Criteria: Myriad Autosomal Dominant, Autosomal Recessive and X-Linked Classification Criteria (2023). Collection method: clinical testing. Allele origin: unknown.
Comment: This variant is considered benign. This variant is a silent/synonymous amino acid change and it is not expected to impact splicing.

Labcorp Genetics (formerly Invitae), Labcorp
Classification: Likely benign. Last evaluated: 2025-06-07. Review status: criteria provided, single submitter. Criteria: Invitae Variant Classification Sherloc (09022015). Collection method: clinical testing. Allele origin: germline.

Ambry Genetics
Classification: Likely benign. Last evaluated: 2017-12-06. Review status: criteria provided, single submitter. Criteria: Ambry Variant Classification Scheme 2023. Collection method: clinical testing. Allele origin: germline.

NM_024642.5(GALNT12):c.762C>T (p.Cys254=)

Gene: GALNT12 (polypeptide N-acetylgalactosaminyltransferase 12; plus strand). Cytogenetic location: 9q22.33.
Variant type: single nucleotide variant.
Coding change: c.762C>T on transcript NM_024642.5 (MANE Select); coding-DNA position 762, C replaced by T.
Protein change: p.Cys254=; no amino-acid change (cysteine 254 retained).
Molecular consequence: synonymous variant.
Genome position (GRCh38, 1-based): chr9:98,831,802, C>T. VCF-style: chr9-98831802-C-T. GRCh37 (hg19) VCF-style: chr9-101594084-C-T.
Identifiers: ClinVar variation 1759880 (VCV001759880.8), dbSNP rs1588449831, ClinGen allele CA466424789.